The following is an entry in ClinVar:

NM_000179.3(MSH6):c.1678T>C (p.Phe560Leu)

Gene: MSH6 (mutS homolog 6; plus strand). Cytogenetic location: 2p16.3.
Variant type: single nucleotide variant.
Coding change: c.1678T>C on transcript NM_000179.3 (MANE Select); coding-DNA position 1678, T replaced by C.
Protein change: p.Phe560Leu; replaces phenylalanine 560 with leucine.
Molecular consequence: missense variant.
Genome position (GRCh38, 1-based): chr2:47,799,661, T>C. VCF-style: chr2-47799661-T-C. GRCh37 (hg19) VCF-style: chr2-48026800-T-C.
Other names: c.1288T>C, p.Phe430Leu (NM_001281492.2); c.772T>C, p.Phe258Leu (NM_001281493.2, NM_001281494.2); short protein forms F560L, F258L, F430L.
Identifiers: ClinVar variation 216298 (VCV000216298.16), dbSNP rs863224617, ClinGen allele CA336267.

ClinVar aggregate classification (germline): Uncertain significance. Review status: criteria provided, multiple submitters, no conflicts (2 of 4 stars). 4 submissions from 4 submitters: Uncertain significance (4). Last evaluated 2024-09-13.

Conditions:
Hereditary nonpolyposis colorectal neoplasms. Identifiers: MedGen C0009405, MeSH D003123.
Hereditary cancer-predisposing syndrome. Also called: Hereditary Cancer Syndrome; Hereditary neoplastic syndrome; Neoplastic Syndromes, Hereditary; Tumor predisposition. Identifiers: Orphanet 140162, MedGen C0027672, MeSH D009386, MONDO:0015356.
Endometrial carcinoma. Also called: Endometrial carcinoma, somatic. Identifiers: MedGen C0476089, MONDO:0002447, OMIM 608089, HP:0012114.

Allele frequency attached by ClinVar (database versions not stated): TOPMed below 0.00001; gnomAD 0.00001.
gnomAD v4.1: 1 of 1,614,088 alleles (0.000062%); no homozygotes.

Submissions (4):

Ambry Genetics
Classification: Uncertain significance for Hereditary cancer-predisposing syndrome. Last evaluated: 2024-09-13. Review status: criteria provided, single submitter. Criteria: Ambry Variant Classification Scheme 2023. Collection method: clinical testing. Allele origin: germline.
Comment: The p.F560L variant (also known as c.1678T>C), located in coding exon 4 of the MSH6 gene, results from a T to C substitution at nucleotide position 1678. The phenylalanine at codon 560 is replaced by leucine, an amino acid with highly similar properties. This amino acid position is conserved. In addition, this alteration is predicted to be deleterious by in silico analysis. Based on the available evidence, the clinical significance of this variant remains unclear.

Color Diagnostics, LLC DBA Color Health
Classification: Uncertain significance for Hereditary cancer-predisposing syndrome. Last evaluated: 2023-12-05. Review status: criteria provided, single submitter. Criteria: ACMG Guidelines, 2015. Collection method: clinical testing. Allele origin: germline.
Comment: This missense variant replaces phenylalanine with leucine at codon 560 of the MSH6 protein. Computational prediction suggests that this variant may have deleterious impact on protein structure and function (internally defined REVEL score threshold >= 0.7, PMID: 27666373). To our knowledge, functional studies have not been reported for this variant. This variant has not been reported in individuals affected with MSH6-related disorders in the literature. This variant has not been identified in the general population by the Genome Aggregation Database (gnomAD). The available evidence is insufficient to determine the role of this variant in disease conclusively. Therefore, this variant is classified as a Variant of Uncertain Significance.

Labcorp Genetics (formerly Invitae), Labcorp
Classification: Uncertain significance for Hereditary nonpolyposis colorectal neoplasms. Last evaluated: 2023-07-12. Review status: criteria provided, single submitter. Criteria: Invitae Variant Classification Sherloc (09022015). Collection method: clinical testing. Allele origin: germline.
Comment: In summary, the available evidence is currently insufficient to determine the role of this variant in disease. Therefore, it has been classified as a Variant of Uncertain Significance. Advanced modeling of protein sequence and biophysical properties (such as structural, functional, and spatial information, amino acid conservation, physicochemical variation, residue mobility, and thermodynamic stability) performed at Invitae indicates that this missense variant is not expected to disrupt MSH6 protein function. ClinVar contains an entry for this variant (Variation ID: 216298). This variant has not been reported in the literature in individuals affected with MSH6-related conditions. This variant is not present in population databases (gnomAD no frequency). This sequence change replaces phenylalanine, which is neutral and non-polar, with leucine, which is neutral and non-polar, at codon 560 of the MSH6 protein (p.Phe560Leu).

Baylor Genetics
Classification: Uncertain significance for Endometrial carcinoma. Last evaluated: 2023-07-04. Review status: criteria provided, single submitter. Criteria: ACMG Guidelines, 2015. Collection method: clinical testing. Allele origin: unknown.